The following is an entry in ClinVar:

NM_000179.3(MSH6):c.2524G>A (p.Ala842Thr)

Gene: MSH6 (mutS homolog 6; plus strand). Cytogenetic location: 2p16.3.
Variant type: single nucleotide variant.
Coding change: c.2524G>A on transcript NM_000179.3 (MANE Select); coding-DNA position 2524, G replaced by A.
Protein change: p.Ala842Thr; replaces alanine 842 with threonine.
Molecular consequence: missense variant.
Genome position (GRCh38, 1-based): chr2:47,800,507, G>A. VCF-style: chr2-47800507-G-A. GRCh37 (hg19) VCF-style: chr2-48027646-G-A.
Other names: c.2134G>A, p.Ala712Thr (NM_001281492.2); c.1618G>A, p.Ala540Thr (NM_001281493.2, NM_001281494.2); short protein forms A842T, A540T, A712T.
Identifiers: ClinVar variation 489982 (VCV000489982.11), dbSNP rs746143003, ClinGen allele CA346754397.

ClinVar aggregate classification (germline): Uncertain significance. Review status: criteria provided, multiple submitters, no conflicts (2 of 4 stars). 4 submissions from 4 submitters: Uncertain significance (4). Last evaluated 2025-10-01.

Conditions:
Lynch syndrome. Identifiers: Orphanet 144, MedGen C4552100, MONDO:0005835. Disease mechanism: loss of function.
Hereditary nonpolyposis colorectal neoplasms. Identifiers: MedGen C0009405, MeSH D003123.
Hereditary cancer-predisposing syndrome. Also called: Hereditary Cancer Syndrome; Neoplastic Syndromes, Hereditary; Tumor predisposition; Hereditary neoplastic syndrome. Identifiers: Orphanet 140162, MedGen C0027672, MeSH D009386, MONDO:0015356.

gnomAD v4.1: 2 of 1,613,056 alleles (0.00012%); highest among the groups gnomAD compares: Non-Finnish European, 0.00017%; no homozygotes.

Submissions (4):

Labcorp Genetics (formerly Invitae), Labcorp
Classification: Uncertain significance for Hereditary nonpolyposis colorectal neoplasms. Last evaluated: 2025-10-01. Review status: criteria provided, single submitter. Criteria: Invitae Variant Classification Sherloc (09022015). Collection method: clinical testing. Allele origin: germline.
Comment: This sequence change replaces alanine, which is neutral and non-polar, with threonine, which is neutral and polar, at codon 842 of the MSH6 protein (p.Ala842Thr). This variant is not present in population databases (gnomAD no frequency). This variant has not been reported in the literature in individuals affected with MSH6-related conditions. ClinVar contains an entry for this variant (Variation ID: 489982). Invitae Evidence Modeling of protein sequence and biophysical properties (such as structural, functional, and spatial information, amino acid conservation, physicochemical variation, residue mobility, and thermodynamic stability) has been performed for this missense variant. However, the output from this modeling did not meet the statistical confidence thresholds required to predict the impact of this variant on MSH6 protein function. In summary, the available evidence is currently insufficient to determine the role of this variant in disease. Therefore, it has been classified as a Variant of Uncertain Significance.

All of Us Research Program, National Institutes of Health
Classification: Uncertain significance for Lynch syndrome. Last evaluated: 2023-11-02. Review status: criteria provided, single submitter. Criteria: ACMG Guidelines, 2015. Collection method: clinical testing. Allele origin: germline. Inheritance: Autosomal dominant inheritance. Observed: 1 variant allele, 1 heterozygote.
Comment: This missense variant replaces alanine with threonine at codon 842 of the MSH6 protein. Computational prediction suggests that this variant may have deleterious impact on protein structure and function (internally defined REVEL score threshold >= 0.7, PMID: 27666373). To our knowledge, functional studies have not been reported for this variant. This variant has not been reported in individuals affected with MSH6-related disorders in the literature. This variant has not been identified in the general population by the Genome Aggregation Database (gnomAD). The available evidence is insufficient to determine the role of this variant in disease conclusively. Therefore, this variant is classified as a Variant of Uncertain Significance.

This study involves interpretation of variants in research participants for the purpose of population health screening. Participant phenotype was not available at the time of variant classification. Additional details can be found in publication PMID: 35346344, PMCID: PMC8962531

Color Diagnostics, LLC DBA Color Health
Classification: Uncertain significance for Hereditary cancer-predisposing syndrome. Last evaluated: 2023-10-12. Review status: criteria provided, single submitter. Criteria: ACMG Guidelines, 2015. Collection method: clinical testing. Allele origin: germline.
Comment: This missense variant replaces alanine with threonine at codon 842 of the MSH6 protein. Computational prediction suggests that this variant may have deleterious impact on protein structure and function (internally defined REVEL score threshold >= 0.7, PMID: 27666373). To our knowledge, functional studies have not been reported for this variant. This variant has not been reported in individuals affected with MSH6-related disorders in the literature. This variant has not been identified in the general population by the Genome Aggregation Database (gnomAD). The available evidence is insufficient to determine the role of this variant in disease conclusively. Therefore, this variant is classified as a Variant of Uncertain Significance.

Ambry Genetics
Classification: Uncertain significance for Hereditary cancer-predisposing syndrome. Last evaluated: 2017-10-20. Review status: criteria provided, single submitter. Criteria: Ambry Variant Classification Scheme 2023. Collection method: clinical testing. Allele origin: germline.